The following is an entry in ClinVar:

ClinVar aggregate classification (germline): Uncertain significance (1 of 4 stars; one submission).

Allele frequency attached by ClinVar (database versions not stated): gnomAD exomes below 0.00001.
gnomAD v4.1: 2 of 1,553,898 alleles (0.00013%); highest among the groups gnomAD compares: Non-Finnish European, 0.00017%; no homozygotes.

Submission:

Labcorp Genetics (formerly Invitae), Labcorp
Classification: Uncertain significance. Last evaluated: 2022-10-26. Review status: criteria provided, single submitter. Criteria: Invitae Variant Classification Sherloc (09022015). Collection method: clinical testing. Allele origin: germline.
Comment: This sequence change replaces alanine, which is neutral and non-polar, with valine, which is neutral and non-polar, at codon 13 of the SCARB1 protein (p.Ala13Val). This variant is not present in population databases (gnomAD no frequency). This variant has not been reported in the literature in individuals affected with SCARB1-related conditions. Advanced modeling of protein sequence and biophysical properties (such as structural, functional, and spatial information, amino acid conservation, physicochemical variation, residue mobility, and thermodynamic stability) performed at Invitae indicates that this missense variant is not expected to disrupt SCARB1 protein function. In summary, the available evidence is currently insufficient to determine the role of this variant in disease. Therefore, it has been classified as a Variant of Uncertain Significance.

NM_005505.5(SCARB1):c.38C>T (p.Ala13Val)

Genes: SCARB1 (scavenger receptor class B member 1; minus strand), LOC130009157 (ATAC-STARR-seq lymphoblastoid silent region 5067; plus strand). Cytogenetic location: 12q24.31.
Variant type: single nucleotide variant.
Coding change: c.38C>T on transcript NM_005505.5 (MANE Select); coding-DNA position 38, C replaced by T.
Protein change: p.Ala13Val; replaces alanine 13 with valine.
Molecular consequence: missense variant. On other transcripts: non-coding transcript variant (9).
Genome position (GRCh38, 1-based): chr12:124,863,683, G>A on the plus strand (C>T on the coding strand, the complement: SCARB1 is on the minus strand). VCF-style: chr12-124863683-G-A. GRCh37 (hg19) VCF-style: chr12-125348229-G-A.
Other names: c.38C>T, p.Ala13Val (NM_001082959.2, NM_001367981.1, NM_001367983.1 and 6 more transcripts); short protein forms A13V.
Identifiers: ClinVar variation 1722187 (VCV001722187.6), dbSNP rs2548233204, ClinGen allele CA387215179.